The following is an entry in ClinVar:

NM_018706.7(DHTKD1):c.1543C>T (p.Pro515Ser)

Gene: DHTKD1 (dehydrogenase E1 and transketolase domain containing 1; plus strand). Cytogenetic location: 10p14.
Variant type: single nucleotide variant.
Coding change: c.1543C>T on transcript NM_018706.7 (MANE Select); coding-DNA position 1543, C replaced by T.
Protein change: p.Pro515Ser; replaces proline 515 with serine.
Molecular consequence: missense variant.
Genome position (GRCh38, 1-based): chr10:12,097,868, C>T. VCF-style: chr10-12097868-C-T. GRCh37 (hg19) VCF-style: chr10-12139867-C-T.
Other names: short protein forms P515S.
Identifiers: ClinVar variation 3697012 (VCV003697012.2).

ClinVar aggregate classification (germline): Uncertain significance (1 of 4 stars; one submission).

Conditions:
2-aminoadipic 2-oxoadipic aciduria (AAKAD). Also called: Aminoadipic aciduria; ALPHA-AMINOADIPIC AND ALPHA-KETOADIPIC ACIDURIA. Identifiers: Orphanet 79154, MedGen C1859817, MONDO:0008774, OMIM 204750.

gnomAD v4.1: 17 of 1,614,230 alleles (0.0011%); highest among the groups gnomAD compares: Middle Eastern, 0.016%; 2 homozygotes.

Submission:

Labcorp Genetics (formerly Invitae), Labcorp
Classification: Uncertain significance for 2-aminoadipic 2-oxoadipic aciduria. Last evaluated: 2025-02-06. Review status: criteria provided, single submitter. Criteria: Invitae Variant Classification Sherloc (09022015). Collection method: clinical testing. Allele origin: germline.
Comment: This sequence change replaces proline, which is neutral and non-polar, with serine, which is neutral and polar, at codon 515 of the DHTKD1 protein (p.Pro515Ser). This variant is present in population databases (rs762729182, gnomAD 0.01%). This variant has not been reported in the literature in individuals affected with DHTKD1-related conditions. Invitae Evidence Modeling of protein sequence and biophysical properties (such as structural, functional, and spatial information, amino acid conservation, physicochemical variation, residue mobility, and thermodynamic stability) indicates that this missense variant is not expected to disrupt DHTKD1 protein function with a negative predictive value of 80%. In summary, the available evidence is currently insufficient to determine the role of this variant in disease. Therefore, it has been classified as a Variant of Uncertain Significance.